The following is an entry in ClinVar:

ClinVar aggregate classification (germline): Pathogenic. Review status: reviewed by expert panel (3 of 4 stars). 3 submissions from 3 submitters: Pathogenic (1). 2 of the submissions do not count toward it. Last evaluated 2016-10-18.

Conditions:
Hereditary cancer-predisposing syndrome. Also called: Neoplastic Syndromes, Hereditary; Tumor predisposition; Hereditary Cancer Syndrome; Hereditary neoplastic syndrome. Identifiers: Orphanet 140162, MedGen C0027672, MeSH D009386, MONDO:0015356.
Breast-ovarian cancer, familial, susceptibility to, 2 (BROVCA2). Also called: BRCA2 Hereditary Breast and Ovarian Cancer. Identifiers: Orphanet 145, MedGen C2675520, MONDO:0012933, OMIM 612555. Disease mechanism: loss of function.

Submissions (3):

Evidence-based Network for the Interpretation of Germline Mutant Alleles (ENIGMA)
Classification: Pathogenic for Breast-ovarian cancer, familial, susceptibility to, 2. Last evaluated: 2016-10-18. Review status: reviewed by expert panel. Criteria: ENIGMA BRCA1/2 Classification Criteria (2015). Collection method: curation. Allele origin: germline.
Comment: Variant allele predicted to encode a truncated non-functional protein.

Ambry Genetics
Classification: Pathogenic for Hereditary cancer-predisposing syndrome. Last evaluated: 2019-02-01. Review status: criteria provided, single submitter. Criteria: Ambry Variant Classification Scheme 2023. Collection method: clinical testing. Allele origin: germline. Not counted in ClinVar's aggregate classification.
Comment: The c.3849_3852delAAGT pathogenic mutation, located in coding exon 10 of the BRCA2 gene, results from a deletion of 4 nucleotides at nucleotide positions 3849 to 3852, causing a translational frameshift with a predicted alternate stop codon (p.S1284Kfs*8). This alteration was detected in 1/989 unrelated individuals from a cohort of German breast/ovarian cancer families (Meindl A et al. Int. J. Cancer, 2002 Feb;97:472-80). In addition to the clinical data presented in the literature, this alteration is expected to result in loss of function by premature protein truncation or nonsense-mediated mRNA decay. As such, this alteration is interpreted as a disease-causing mutation.

Consortium of Investigators of Modifiers of BRCA1/2 (CIMBA), c/o University of Cambridge
Classification: Pathogenic for Breast-ovarian cancer, familial, susceptibility to, 2. Last evaluated: 2015-10-02. Review status: criteria provided, single submitter. Criteria: CIMBA Mutation Classification guidelines May 2016. Collection method: clinical testing. Allele origin: germline. Not counted in ClinVar's aggregate classification.

Literature cited by the submitters: PubMed 11802209 (cited by Ambry Genetics).

NM_000059.4(BRCA2):c.3849_3852del (p.Ser1284fs)

Gene: BRCA2 (BRCA2 DNA repair associated; plus strand). Cytogenetic location: 13q13.1.
Variant type: Deletion.
Coding change: c.3849_3852del on transcript NM_000059.4 (MANE Select); coding-DNA positions 3849 to 3852, 4 bases deleted (AAGT; older notation c.3849_3852delAAGT).
Protein change: p.Ser1284fs; shifts the reading frame from serine 1284.
Molecular consequence: frameshift variant.
Genome position (GRCh38, 1-based): chr13:32,338,204-32,338,207, AAGT deleted; deleting any 4 consecutive bases within chr13:32,338,202-32,338,207 gives the same sequence; the c. name uses the placement nearest the transcript's 3' end. VCF-style (leftmost placement, unchanged base first): chr13-32338201-TGTAA-T. GRCh37 (hg19) VCF-style: chr13-32912338-TGTAA-T.
Other names: 4077_4080delAAGT; c.3849_3852delAAGT (NM_000059.3).
Identifiers: ClinVar variation 51541 (VCV000051541.9), dbSNP rs397507692, ClinGen allele CA018955.
Genomic context (GRCh38, chr13:32,338,201, plus strand): 5'-AAGTAAATGTCATGATTCTGTTGTTTCAATGTTTAAGATAGAAAATCATAATGATAAAAC[TGTAA>T]GTGAAAAAAATAATAAATGCCAACTGATATTACAAAATAATATTGAAATGACTACTGGCA-3'